The following is an entry in ClinVar:

NM_203447.4(DOCK8):c.5428C>T (p.Gln1810Ter)

Gene: DOCK8 (dedicator of cytokinesis 8; plus strand). Cytogenetic location: 9p24.3.
Variant type: single nucleotide variant.
Coding change: c.5428C>T on transcript NM_203447.4 (MANE Select); coding-DNA position 5428, C replaced by T.
Protein change: p.Gln1810Ter; replaces glutamine 1810 with a stop codon.
Molecular consequence: nonsense.
Genome position (GRCh38, 1-based): chr9:441,947, C>T. VCF-style: chr9-441947-C-T. GRCh37 (hg19) VCF-style: chr9-441947-C-T.
Other names: c.5128C>T, p.Gln1710Ter (NM_001190458.2); c.5224C>T, p.Gln1742Ter (NM_001193536.2); short protein forms Q1710*, Q1742*, Q1810*.
Identifiers: ClinVar variation 3704182 (VCV003704182.2).

ClinVar aggregate classification (germline): Pathogenic (1 of 4 stars; one submission).

Conditions:
Combined immunodeficiency due to DOCK8 deficiency (HIES2). Also called: HYPER-IgE SYNDROME 2, AUTOSOMAL RECESSIVE, WITH RECURRENT INFECTIONS; DOCK8 Deficiency; Hyper-IgE recurrent infection syndrome, autosomal recessive; HIES autosomal recessive; HYPER-IgE RECURRENT INFECTION SYNDROME 2, AUTOSOMAL RECESSIVE. Identifiers: Orphanet 217390, MedGen C4722305, MONDO:0009478, OMIM 243700.

gnomAD v4.1: 3 of 1,614,082 alleles (0.00019%); highest among the groups gnomAD compares: Non-Finnish European, 0.00025%; no homozygotes.

Submission:

Labcorp Genetics (formerly Invitae), Labcorp
Classification: Pathogenic for Combined immunodeficiency due to DOCK8 deficiency. Last evaluated: 2024-10-23. Review status: criteria provided, single submitter. Criteria: Invitae Variant Classification Sherloc (09022015). Collection method: clinical testing. Allele origin: germline.
Comment: This sequence change creates a premature translational stop signal (p.Gln1810*) in the DOCK8 gene. It is expected to result in an absent or disrupted protein product. Loss-of-function variants in DOCK8 are known to be pathogenic (PMID: 14722525, 19776401). This variant is not present in population databases (gnomAD no frequency). This variant has not been reported in the literature in individuals affected with DOCK8-related conditions. For these reasons, this variant has been classified as Pathogenic.

Literature cited by the submitters: PubMed 14722525; PubMed 19776401.